The following is an entry in ClinVar:

NM_020717.5(SHROOM4):c.1686G>A (p.Glu562=)

Gene: SHROOM4 (shroom family member 4; minus strand). Cytogenetic location: Xp11.22.
Variant type: single nucleotide variant.
Coding change: c.1686G>A on transcript NM_020717.5 (MANE Select); coding-DNA position 1686, G replaced by A.
Protein change: p.Glu562=; no amino-acid change (glutamic acid 562 retained).
Molecular consequence: synonymous variant. On other transcripts: non-coding transcript variant (4).
Genome position (GRCh38, 1-based): chrX:50,634,387, C>T on the plus strand (G>A on the coding strand, the complement: SHROOM4 is on the minus strand). VCF-style: chrX-50634387-C-T. GRCh37 (hg19) VCF-style: chrX-50377387-C-T.
Identifiers: ClinVar variation 3026443 (VCV003026443.22), dbSNP rs781865288, ClinGen allele CA10416220.

ClinVar aggregate classification (germline): Likely benign (1 of 4 stars; one submission).

Allele frequency attached by ClinVar (database versions not stated): ExAC 0.00001; gnomAD 0.00001; TOPMed 0.00001; gnomAD exomes 0.00002.
gnomAD v4.1: 29 of 1,209,096 alleles (0.0024%); highest among the groups gnomAD compares: Non-Finnish European, 0.003%; no homozygotes.

Submission:

CeGaT Center for Human Genetics Tuebingen
Classification: Likely benign. Last evaluated: 2024-02-01. Review status: criteria provided, single submitter. Criteria: CeGaT Center For Human Genetics Tuebingen Variant Classification Criteria Version 2. Collection method: clinical testing. Allele origin: germline. Affected: yes. Observed: 1 variant allele.
Comment: SHROOM4: BP4, BP7